The following is an entry in ClinVar:

ClinVar aggregate classification (germline): Uncertain significance (1 of 4 stars; one submission).

Allele frequency attached by ClinVar (database versions not stated): gnomAD exomes below 0.00001.
gnomAD v4.1: 1 of 1,614,190 alleles (0.000062%); highest among the groups gnomAD compares: South Asian, 0.0011%; no homozygotes.

Submission:

Labcorp Genetics (formerly Invitae), Labcorp
Classification: Uncertain significance. Last evaluated: 2021-09-22. Review status: criteria provided, single submitter. Criteria: Invitae Variant Classification Sherloc (09022015). Collection method: clinical testing. Allele origin: germline.
Comment: This variant is not present in population databases (ExAC no frequency). This sequence change replaces valine with methionine at codon 508 of the C1S protein (p.Val508Met). The valine residue is highly conserved and there is a small physicochemical difference between valine and methionine. This variant has not been reported in the literature in individuals affected with C1S-related conditions. In summary, the available evidence is currently insufficient to determine the role of this variant in disease. Therefore, it has been classified as a Variant of Uncertain Significance. Algorithms developed to predict the effect of missense changes on protein structure and function are either unavailable or do not agree on the potential impact of this missense change (SIFT: "Deleterious"; PolyPhen-2: "Probably Damaging"; Align-GVGD: "Class C15").

NM_001734.5(C1S):c.1522G>A (p.Val508Met)

Gene: C1S (complement C1s; plus strand). Cytogenetic location: 12p13.31.
Variant type: single nucleotide variant.
Coding change: c.1522G>A on transcript NM_001734.5 (MANE Select); coding-DNA position 1522, G replaced by A.
Protein change: p.Val508Met; replaces valine 508 with methionine.
Molecular consequence: missense variant.
Genome position (GRCh38, 1-based): chr12:7,070,106, G>A. VCF-style: chr12-7070106-G-A. GRCh37 (hg19) VCF-style: chr12-7177410-G-A.
Other names: c.1021G>A, p.Val341Met (NM_001346850.2); c.1522G>A, p.Val508Met (NM_201442.4); short protein forms V508M, V341M.
Identifiers: ClinVar variation 1404550 (VCV001404550.6), dbSNP rs1555162967, ClinGen allele CA383704843.